The following is an entry in ClinVar:

ClinVar aggregate classification (germline): Uncertain significance (1 of 4 stars; one submission).

Conditions:
Leber congenital amaurosis 4 (LCA4). Identifiers: MedGen C1858386, MONDO:0011458, OMIM 604393.

Allele frequency attached by ClinVar (database versions not stated): ExAC 0.00001; gnomAD exomes 0.00001.
gnomAD v4.1: 5 of 1,614,014 alleles (0.00031%); highest among the groups gnomAD compares: African/African-American, 0.004%; no homozygotes.

Submission:

Labcorp Genetics (formerly Invitae), Labcorp
Classification: Uncertain significance for Leber congenital amaurosis 4. Last evaluated: 2025-07-23. Review status: criteria provided, single submitter. Criteria: Invitae Variant Classification Sherloc (09022015). Collection method: clinical testing. Allele origin: germline.
Comment: This sequence change replaces glutamic acid, which is acidic and polar, with lysine, which is basic and polar, at codon 70 of the AIPL1 protein (p.Glu70Lys). This variant is present in population databases (rs746661125, gnomAD 0.007%). This missense change has been observed in individual(s) with AIPL1-related conditions (internal data). In at least one individual the data is consistent with being in trans (on the opposite chromosome) from a pathogenic variant. ClinVar contains an entry for this variant (Variation ID: 1050923). Invitae Evidence Modeling of protein sequence and biophysical properties (such as structural, functional, and spatial information, amino acid conservation, physicochemical variation, residue mobility, and thermodynamic stability) has been performed for this missense variant. However, the output from this modeling did not meet the statistical confidence thresholds required to predict the impact of this variant on AIPL1 protein function. In summary, the available evidence is currently insufficient to determine the role of this variant in disease. Therefore, it has been classified as a Variant of Uncertain Significance.

NM_014336.5(AIPL1):c.208G>A (p.Glu70Lys)

Gene: AIPL1 (AIP like 1 HSP90 co-chaperone; minus strand). Cytogenetic location: 17p13.2.
Variant type: single nucleotide variant.
Coding change: c.208G>A on transcript NM_014336.5 (MANE Select); coding-DNA position 208, G replaced by A.
Protein change: p.Glu70Lys; replaces glutamic acid 70 with lysine.
Molecular consequence: missense variant. On other transcripts: intron variant (1).
Genome position (GRCh38, 1-based): chr17:6,433,987, C>T on the plus strand (G>A on the coding strand, the complement: AIPL1 is on the minus strand). VCF-style: chr17-6433987-C-T. GRCh37 (hg19) VCF-style: chr17-6337307-C-T.
Other names: c.208G>A, p.Glu70Lys (NM_001033054.3, NM_001285401.3, NM_001285403.4); c.172G>A, p.Glu58Lys (NM_001285399.3); c.142G>A, p.Glu48Lys (NM_001285400.3); c.91G>A, p.Glu31Lys (NM_001285402.2); c.96+1022G>A (NM_001033055.3); short protein forms E31K, E48K, E58K, E70K.
Identifiers: ClinVar variation 1050923 (VCV001050923.5), dbSNP rs746661125, ClinGen allele CA8328594.